The following is an entry in ClinVar:

NM_201269.3(ZNF644):c.3947C>T (p.Thr1316Ile)

Gene: ZNF644 (zinc finger protein 644; minus strand). Cytogenetic location: 1p22.2.
Variant type: single nucleotide variant.
Coding change: c.3947C>T on transcript NM_201269.3 (MANE Select); coding-DNA position 3947, C replaced by T.
Protein change: p.Thr1316Ile; replaces threonine 1316 with isoleucine.
Molecular consequence: missense variant.
Genome position (GRCh38, 1-based): chr1:90,916,835, G>A on the plus strand (C>T on the coding strand, the complement: ZNF644 is on the minus strand). VCF-style: chr1-90916835-G-A. GRCh37 (hg19) VCF-style: chr1-91382392-G-A.
Other names: c.281C>T, p.Thr94Ile (NM_016620.4, NM_032186.5); short protein forms T1316I, T94I.
Identifiers: ClinVar variation 2431023 (VCV002431023.1), dbSNP rs2524083079, ClinGen allele CA341044262.

ClinVar aggregate classification (germline): Uncertain significance (1 of 4 stars; one submission).

Submission:

GeneDx
Classification: Uncertain significance. Last evaluated: 2022-08-26. Review status: criteria provided, single submitter. Criteria: GeneDx Variant Classification Process June 2021. Collection method: clinical testing. Allele origin: germline. Affected: yes.
Comment: Not observed at significant frequency in large population cohorts (gnomAD); In silico analysis supports that this missense variant does not alter protein structure/function; Has not been previously published as pathogenic or benign to our knowledge